The following is an entry in ClinVar:

NM_016169.4(SUFU):c.395C>G (p.Ala132Gly)

Gene: SUFU (SUFU negative regulator of hedgehog signaling; plus strand). Cytogenetic location: 10q24.32.
Variant type: single nucleotide variant.
Coding change: c.395C>G on transcript NM_016169.4 (MANE Select); coding-DNA position 395, C replaced by G.
Protein change: p.Ala132Gly; replaces alanine 132 with glycine.
Molecular consequence: missense variant.
Genome position (GRCh38, 1-based): chr10:102,550,047, C>G. VCF-style: chr10-102550047-C-G. GRCh37 (hg19) VCF-style: chr10-104309804-C-G.
Other names: c.395C>G, p.Ala132Gly (NM_001178133.2); short protein forms A132G.
Identifiers: ClinVar variation 3226885 (VCV003226885.1), dbSNP rs2135743320, ClinGen allele CA377903420.
Genomic context (GRCh38, chr10:102,550,047, plus strand): 5'-GACCTAGTGGTTTTGGCTTTGAGTTGACCTTTCGTCTGAAGAGAGAAACTGGGGAGTCTG[C>G]CCCACCAACATGGCCCGCAGAGTTAATGCAGGGCTTGGCACGATACGTGTTCCAGTCAGG-3'
Protein context (NP_057253.2, residues 122-142): FRLKRETGES[Ala132Gly]PPTWPAELMQ

ClinVar aggregate classification (germline): Uncertain significance (1 of 4 stars; one submission).

Conditions:
Hereditary cancer-predisposing syndrome. Also called: Neoplastic Syndromes, Hereditary; Tumor predisposition; Hereditary neoplastic syndrome; Hereditary Cancer Syndrome. Identifiers: Orphanet 140162, MedGen C0027672, MeSH D009386, MONDO:0015356.

Submission:

Ambry Genetics
Classification: Uncertain significance for Hereditary cancer-predisposing syndrome. Last evaluated: 2024-01-22. Review status: criteria provided, single submitter. Criteria: Ambry Variant Classification Scheme 2023. Collection method: clinical testing. Allele origin: germline.
Comment: The p.A132G variant (also known as c.395C>G), located in coding exon 3 of the SUFU gene, results from a C to G substitution at nucleotide position 395. The alanine at codon 132 is replaced by glycine, an amino acid with similar properties. This amino acid position is conserved. In addition, the in silico prediction for this alteration is inconclusive. Based on the available evidence, the clinical significance of this alteration remains unclear.